The following is an entry in ClinVar:

NM_001127671.2(LIFR):c.3215_3216del (p.Pro1072fs)

Gene: LIFR (LIF receptor subunit alpha; minus strand). Cytogenetic location: 5p13.1.
Variant type: Deletion.
Coding change: c.3215_3216del on transcript NM_001127671.2 (MANE Select); coding-DNA positions 3215 to 3216, 2 bases deleted (CT; older notation c.3215_3216delCT).
Protein change: p.Pro1072fs; shifts the reading frame from proline 1072.
Molecular consequence: frameshift variant.
Genome position (GRCh38, 1-based): chr5:38,481,673-38,481,674, AG deleted on the plus strand (CT on the coding strand, the reverse complement: LIFR is on the minus strand). VCF-style (leftmost placement, unchanged base first): chr5-38481672-TAG-T. GRCh37 (hg19) VCF-style: chr5-38481774-TAG-T.
Other names: c.3215_3216del, p.Pro1072fs (NM_001364297.2, NM_002310.6); c.3182_3183del, p.Pro1061fs (NM_001364298.2); c.3215_3216delCT (NM_002310.6); short protein forms P1061fs, P1072fs.
Identifiers: ClinVar variation 4848947 (VCV004848947.1).

ClinVar aggregate classification (germline): Uncertain significance (1 of 4 stars; one submission).

Submission:

Women's Health and Genetics/Laboratory Corporation of America, LabCorp
Classification: Uncertain significance. Last evaluated: 2026-04-02. Review status: criteria provided, single submitter. Criteria: LabCorp Variant Classification Summary - May 2015. Collection method: clinical testing. Allele origin: germline.
Comment: Variant summary: LIFR c.3215_3216delCT (p.Pro1072GlnfsX3) results in a premature termination codon in the last exon and is predicted to cause a truncation of the encoded protein, however, nonsense mediated decay is not expected to occur. The variant was absent in 251284 control chromosomes. The available data on variant occurrences in the general population are insufficient to allow any conclusion about variant significance. To our knowledge, no occurrence of c.3215_3216delCT in individuals affected with LIFR-related conditions and no experimental evidence demonstrating its impact on protein function have been reported. No submitters have cited clinical-significance assessments for this variant to ClinVar. Based on the evidence outlined above, the variant was classified as uncertain significance.